The following is an entry in ClinVar:

NM_001365276.2(TNXB):c.5491G>T (p.Val1831Leu)

Gene: TNXB (tenascin XB; minus strand). Cytogenetic location: 6p21.33.
Variant type: single nucleotide variant.
Coding change: c.5491G>T on transcript NM_001365276.2 (MANE Select); coding-DNA position 5491, G replaced by T.
Protein change: p.Val1831Leu; replaces valine 1831 with leucine.
Molecular consequence: missense variant.
Genome position (GRCh38, 1-based): chr6:32,069,649, C>A on the plus strand (G>T on the coding strand, the complement: TNXB is on the minus strand). VCF-style: chr6-32069649-C-A. GRCh37 (hg19) VCF-style: chr6-32037426-C-A.
Other names: c.6232G>T, p.Val2078Leu (NM_001428335.1); c.5491G>T, p.Val1831Leu (NM_019105.8); short protein forms V1831L, V2078L.
Identifiers: ClinVar variation 3459900 (VCV003459900.1).
Genomic context (GRCh38, chr6:32,069,649, plus strand): 5'-TGCCGTGGTGCAGCCCGTAGAGCAGCAGCTTGTACCTGTGGGCAGGGTCCAGGCCCGGCA[C>A]GCTGACCTCCCTGAGGCTGCCCTCCACGGGCACCACCTGGGGCTGCCCGTCCCTGTCTTT-3'
Protein context (NP_001352205.1, residues 1821-1841): PVEGSLREVS[Val1831Leu]PGLDPAHRYK

ClinVar aggregate classification (germline): Uncertain significance (1 of 4 stars; one submission).

Conditions:
Cardiovascular phenotype. Identifiers: MedGen CN230736.

gnomAD v4.1: 8 of 1,612,910 alleles (0.0005%); highest among the groups gnomAD compares: Non-Finnish European, 0.00068%; no homozygotes.

Submission:

Ambry Genetics
Classification: Uncertain significance for Cardiovascular phenotype. Last evaluated: 2024-11-02. Review status: criteria provided, single submitter. Criteria: Ambry Variant Classification Scheme 2023. Collection method: clinical testing. Allele origin: germline.
Comment: The p.V1831L variant (also known as c.5491G>T), located in coding exon 14 of the TNXB gene, results from a G to T substitution at nucleotide position 5491. The valine at codon 1831 is replaced by leucine, an amino acid with highly similar properties. This amino acid position is conserved. In addition, this alteration is predicted to be tolerated by in silico analysis. Based on the available evidence, the clinical significance of this variant remains unclear.